The following is an entry in ClinVar:

NM_001372062.1(PLD5):c.220C>T (p.Leu74=)

Gene: PLD5 (phospholipase D family member 5; minus strand). Cytogenetic location: 1q43.
Variant type: single nucleotide variant.
Coding change: c.220C>T on transcript NM_001372062.1 (MANE Select); coding-DNA position 220, C replaced by T.
Protein change: p.Leu74=; no amino-acid change (leucine 74 retained).
Molecular consequence: synonymous variant. On other transcripts: 5 prime UTR variant (2).
Genome position (GRCh38, 1-based): chr1:242,348,212, G>A on the plus strand (C>T on the coding strand, the complement: PLD5 is on the minus strand). VCF-style: chr1-242348212-G-A. GRCh37 (hg19) VCF-style: chr1-242511514-G-A.
Other names: c.34C>T, p.Leu12= (NM_001195811.2); c.-243C>T (NM_001195812.2); c.-64C>T (NM_001320272.2).
Identifiers: ClinVar variation 2640211 (VCV002640211.24), dbSNP rs1454458686, ClinGen allele CA424323948.

ClinVar aggregate classification (germline): Likely benign (1 of 4 stars; one submission).

Submission:

CeGaT Center for Human Genetics Tuebingen
Classification: Likely benign. Last evaluated: 2022-12-01. Review status: criteria provided, single submitter. Criteria: CeGaT Center For Human Genetics Tuebingen Variant Classification Criteria Version 2. Collection method: clinical testing. Allele origin: germline. Affected: yes. Observed: 1 variant allele.
Comment: PLD5: PM2:Supporting, BP4, BP7